The following is an entry in ClinVar:

NM_015087.5(SPART):c.851C>A (p.Pro284Gln)

Gene: SPART (spartin; minus strand). Cytogenetic location: 13q13.3.
Variant type: single nucleotide variant.
Coding change: c.851C>A on transcript NM_015087.5 (MANE Select); coding-DNA position 851, C replaced by A.
Protein change: p.Pro284Gln; replaces proline 284 with glutamine.
Molecular consequence: missense variant.
Genome position (GRCh38, 1-based): chr13:36,331,556, G>T on the plus strand (C>A on the coding strand, the complement: SPART is on the minus strand). VCF-style: chr13-36331556-G-T. GRCh37 (hg19) VCF-style: chr13-36905693-G-T.
Other names: c.851C>A, p.Pro284Gln (NM_001142294.2, NM_001142295.2, NM_001142296.2); short protein forms P284Q.
Identifiers: ClinVar variation 4753218 (VCV004753218.1).

ClinVar aggregate classification (germline): Uncertain significance (1 of 4 stars; one submission).

gnomAD v4.1: 7 of 1,613,834 alleles (0.00043%); highest among the groups gnomAD compares: Non-Finnish European, 0.00051%; no homozygotes.

Submission:

Labcorp Genetics (formerly Invitae), Labcorp
Classification: Uncertain significance. Last evaluated: 2025-11-18. Review status: criteria provided, single submitter. Criteria: Invitae Variant Classification Sherloc (09022015). Collection method: clinical testing. Allele origin: germline.
Comment: This sequence change replaces proline, which is neutral and non-polar, with glutamine, which is neutral and polar, at codon 284 of the SPART protein (p.Pro284Gln). The frequency data for this variant in the population databases is considered unreliable, as metrics indicate poor data quality at this position in the gnomAD database. This variant has not been reported in the literature in individuals affected with SPART-related conditions. Invitae Evidence Modeling of protein sequence and biophysical properties (such as structural, functional, and spatial information, amino acid conservation, physicochemical variation, residue mobility, and thermodynamic stability) indicates that this missense variant is expected to disrupt SPART protein function with a positive predictive value of 80%. In summary, the available evidence is currently insufficient to determine the role of this variant in disease. Therefore, it has been classified as a Variant of Uncertain Significance.